The following is an entry in ClinVar:

ClinVar aggregate classification (germline): Uncertain significance. Review status: criteria provided, multiple submitters, no conflicts (2 of 4 stars). 2 submissions from 2 submitters: Uncertain significance (2). Last evaluated 2025-04-23.

Conditions:
Cardiovascular phenotype. Identifiers: MedGen CN230736.
Catecholaminergic polymorphic ventricular tachycardia 1. Also called: VENTRICULAR TACHYCARDIA, CATECHOLAMINERGIC POLYMORPHIC, 1, WITH OR WITHOUT ATRIAL DYSFUNCTION AND/OR DILATED CARDIOMYOPATHY; RYR2-Related Catecholaminergic Polymorphic Ventricular Tachycardia; VENTRICULAR TACHYCARDIA, STRESS-INDUCED POLYMORPHIC 1. Identifiers: Orphanet 3286, MedGen C1631597, MONDO:0011484, OMIM 604772.

Allele frequency attached by ClinVar (database versions not stated): TOPMed below 0.00001; gnomAD 0.00001; gnomAD exomes 0.00001; ExAC 0.00009.
gnomAD v4.1: 14 of 1,531,626 alleles (0.00091%); highest among the groups gnomAD compares: Non-Finnish European, 0.0012%; no homozygotes.

Submissions (2):

Ambry Genetics
Classification: Uncertain significance for Cardiovascular phenotype. Last evaluated: 2025-04-23. Review status: criteria provided, single submitter. Criteria: Ambry Variant Classification Scheme 2023. Collection method: clinical testing. Allele origin: germline.
Comment: The c.1673-3C>G intronic variant results from a C to G substitution 3 nucleotides upstream from coding exon 30 in the TRDN gene. This nucleotide position is well conserved in available vertebrate species. In silico splice site analysis predicts that this alteration will weaken the native splice acceptor site and will result in the creation or strengthening of a novel splice acceptor site. Based on the available evidence, the clinical significance of this variant remains unclear.

Labcorp Genetics (formerly Invitae), Labcorp
Classification: Uncertain significance for Catecholaminergic polymorphic ventricular tachycardia 1. Last evaluated: 2024-07-30. Review status: criteria provided, single submitter. Criteria: Invitae Variant Classification Sherloc (09022015). Collection method: clinical testing. Allele origin: germline.
Comment: This sequence change falls in intron 29 of the TRDN gene. It does not directly change the encoded amino acid sequence of the TRDN protein. It affects a nucleotide within the consensus splice site. The frequency data for this variant in the population databases is considered unreliable, as metrics indicate poor data quality at this position in the gnomAD database. This variant has not been reported in the literature in individuals affected with TRDN-related conditions. ClinVar contains an entry for this variant (Variation ID: 834502). Variants that disrupt the consensus splice site are a relatively common cause of aberrant splicing (PMID: 17576681, 9536098). Algorithms developed to predict the effect of sequence changes on RNA splicing suggest that this variant may disrupt the consensus splice site. In summary, the available evidence is currently insufficient to determine the role of this variant in disease. Therefore, it has been classified as a Variant of Uncertain Significance.

Literature cited by the submitters: PubMed 17576681 (cited by Labcorp Genetics (formerly Invitae), Labcorp); PubMed 9536098 (cited by Labcorp Genetics (formerly Invitae), Labcorp).

NM_006073.4(TRDN):c.1673-3C>G

Gene: TRDN (triadin; minus strand). Cytogenetic location: 6q22.31.
Variant type: single nucleotide variant.
Coding change: c.1673-3C>G on transcript NM_006073.4 (MANE Select); 3 bases into the intron before coding-DNA position 1673, C replaced by G.
Molecular consequence: intron variant.
Genome position (GRCh38, 1-based): chr6:123,271,189, G>C on the plus strand (C>G on the coding strand, the complement: TRDN is on the minus strand). VCF-style: chr6-123271189-G-C. GRCh37 (hg19) VCF-style: chr6-123592334-G-C.
Other names: c.1673-3C>G (NM_006073.2).
Identifiers: ClinVar variation 834502 (VCV000834502.8), dbSNP rs762200112, ClinGen allele CA3983807.
Genomic context (GRCh38, chr6:123,271,189, plus strand): 5'-CCTTATTTACCTGTTTTTTCTATTGTGACAGCTTTTACCTGCTTGAGAACTTTTTCTTCT[G>C]TGATAGGAAAAAATGTTAACACAAGTAGGAAATTTGAATACATCAGTGACATATTTCAAC-3'